The following is an entry in ClinVar:

NM_153717.3(EVC):c.568dup (p.Arg190fs)

Gene: EVC (EvC ciliary complex subunit 1; plus strand). Cytogenetic location: 4p16.2.
Variant type: Duplication.
Coding change: c.568dup on transcript NM_153717.3 (MANE Select); coding-DNA position 568, one base duplicated (C; older notation c.568dupC).
Protein change: p.Arg190fs; shifts the reading frame from arginine 190.
Molecular consequence: frameshift variant.
Genome position (GRCh38, 1-based): chr4:5,731,608, C duplicated; the last of 2 consecutive C bases (chr4:5,731,607-5,731,608); duplicating either gives the same sequence. VCF-style (leftmost placement, unchanged base first): chr4-5731606-G-GC. GRCh37 (hg19) VCF-style: chr4-5733333-G-GC.
Other names: c.568dup, p.Arg190fs (NM_001306090.2, NM_001306092.2); short protein forms R190fs.
Identifiers: ClinVar variation 2949430 (VCV002949430.3), dbSNP rs2474672497, ClinGen allele CA2740091162.
Genomic context (GRCh38, chr4:5,731,606, plus strand): 5'-AGGACGACTGCAGCTCCTCATCCAGCGTCCACTCGGCCACCAGCGATGACAGGTTTCTCA[G>GC]CCGCACCTTCCTCCGGGTGAACGCCTTCCCTGAAGTGCTGGCCTGCGAGAGGTAAGGAGA-3'

ClinVar aggregate classification (germline): Pathogenic (1 of 4 stars; one submission).

Conditions:
Curry-Hall syndrome (WAD). Also called: WEYERS ACRODENTAL DYSOSTOSIS. Identifiers: Orphanet 952, MedGen C0457013, MONDO:0008673, OMIM 193530.
Ellis-van Creveld syndrome (EVC). Also called: EVC-Related Ellis-van Creveld Syndrome; EVC2-Related Ellis-van Creveld Syndrome; MESOECTODERMAL DYSPLASIA; Chondroectodermal dysplasia. Identifiers: Orphanet 289, MedGen C0013903, MONDO:0009162, OMIM 225500.

Submission:

Labcorp Genetics (formerly Invitae), Labcorp
Classification: Pathogenic for Curry-Hall syndrome; Ellis-van Creveld syndrome. Last evaluated: 2023-06-29. Review status: criteria provided, single submitter. Criteria: Invitae Variant Classification Sherloc (09022015). Collection method: clinical testing. Allele origin: germline.
Comment: This variant has not been reported in the literature in individuals affected with EVC-related conditions. This sequence change creates a premature translational stop signal (p.Arg190Profs*11) in the EVC gene. It is expected to result in an absent or disrupted protein product. Loss-of-function variants in EVC are known to be pathogenic (PMID: 23220543). This variant is not present in population databases (gnomAD no frequency). For these reasons, this variant has been classified as Pathogenic.

Literature cited by the submitters: PubMed 23220543.